The following is an entry in ClinVar:

NM_001267550.2(TTN):c.90051A>T (p.Glu30017Asp)

Genes: TTN (titin; minus strand), TTN-AS1 (TTN antisense RNA 1; plus strand). Cytogenetic location: 2q31.2.
Variant type: single nucleotide variant.
Coding change: c.90051A>T on transcript NM_001267550.2 (MANE Select); coding-DNA position 90051, A replaced by T.
Protein change: p.Glu30017Asp; replaces glutamic acid 30017 with aspartic acid.
Molecular consequence: missense variant.
Genome position (GRCh38, 1-based): chr2:178,552,849, T>A on the plus strand (A>T on the coding strand, the complement: TTN is on the minus strand). VCF-style: chr2-178552849-T-A. GRCh37 (hg19) VCF-style: chr2-179417576-T-A.
Other names: c.85128A>T, p.Glu28376Asp (NM_001256850.1); c.62856A>T, p.Glu20952Asp (NM_003319.4); c.82347A>T, p.Glu27449Asp (NM_133378.4); c.63231A>T, p.Glu21077Asp (NM_133432.3); c.63432A>T, p.Glu21144Asp (NM_133437.4); short protein forms E28376D, E30017D, E21077D, E21144D, E27449D, E20952D.
Identifiers: ClinVar variation 514227 (VCV000514227.1), dbSNP rs558277631, ClinGen allele CA1987843.

ClinVar aggregate classification (germline): Likely benign (1 of 4 stars; one submission).

Allele frequency attached by ClinVar (database versions not stated): ExAC 0.00001; gnomAD 0.00001 and 0.00003; gnomAD exomes 0.00001; TOPMed 0.00001; 1000 Genomes Project 30x 0.00031; 1000 Genomes Project 0.00040.
gnomAD v4.1: 8 of 1,613,804 alleles (0.0005%); highest among the groups gnomAD compares: East Asian, 0.018%; no homozygotes.

Submission:

GeneDx
Classification: Likely benign. Last evaluated: 2017-12-13. Review status: criteria provided, single submitter. Criteria: GeneDx Variant Classification (06012015). Collection method: clinical testing. Allele origin: germline. Affected: yes.
Comment: This variant is considered likely benign or benign based on one or more of the following criteria: it is a conservative change, it occurs at a poorly conserved position in the protein, it is predicted to be benign by multiple in silico algorithms, and/or has population frequency not consistent with disease.